The following is an entry in ClinVar:

NM_021969.3(NR0B2):c.497A>G (p.Tyr166Cys)

Genes: NR0B2 (nuclear receptor subfamily 0 group B member 2; minus strand), NUDC (nuclear distribution C, dynein complex regulator; plus strand). Cytogenetic location: 1p36.11.
Variant type: single nucleotide variant.
Coding change: c.497A>G on transcript NM_021969.3 (MANE Select); coding-DNA position 497, A replaced by G.
Protein change: p.Tyr166Cys; replaces tyrosine 166 with cysteine.
Molecular consequence: missense variant.
Genome position (GRCh38, 1-based): chr1:26,913,444, T>C on the plus strand (A>G on the coding strand, the complement: NR0B2 is on the minus strand). VCF-style: chr1-26913444-T-C. GRCh37 (hg19) VCF-style: chr1-27239935-T-C.
Other names: short protein forms Y166C.
Identifiers: ClinVar variation 2502267 (VCV002502267.1), dbSNP rs2522575747, ClinGen allele CA339190283.

ClinVar aggregate classification (germline): Uncertain significance (1 of 4 stars; one submission).

Conditions:
Inherited obesity. Also called: Monogenic Obesity. Identifiers: Orphanet 77828, MedGen C4054476, MONDO:0019182, OMIM 601665.

Allele frequency attached by ClinVar (database versions not stated): gnomAD exomes below 0.00001.
gnomAD v4.1: 1 of 1,614,058 alleles (0.000062%); highest among the groups gnomAD compares: African/African-American, 0.0013%; no homozygotes.

Submission:

New York Genome Center
Classification: Uncertain significance for Inherited obesity. Last evaluated: 2022-04-20. Review status: criteria provided, single submitter. Criteria: NYGC Assertion Criteria 2020. Collection method: clinical testing. Allele origin: germline. Observed: 1 heterozygote.
Comment: The c.497A>G variant has not previously been reported in the literature or public variant repositories (ClinVar, HGMD) and is absent from population databases (gnomAD v2.1.1 and v3.1.2, TOPMed Freeze 8), suggesting it is not a common benign variant in the populations represented in those databases. The c.497A>G variant is located in exon 1 of this 2-exon gene and is predicted to replace an evolutionarily conserved tyrosine amino acid with cysteine at position 166 in the ligand-binding domain of the encoded protein [PMID: 20970497]. In silico predictions are in favor of damaging effect for p.(Tyr166Cys) [(REVEL = 0.845]; however, there are no functional studies to support or refute these predictions. Based on available evidence this c.497A>G p.(Tyr166Cys) variant identified in NR0B2 is classified as a Variant of Uncertain Significance.